The following is an entry in ClinVar:

NM_002907.4(RECQL):c.1079G>T (p.Trp360Leu)

Gene: RECQL (RecQ like helicase; minus strand). Cytogenetic location: 12p12.1.
Variant type: single nucleotide variant.
Coding change: c.1079G>T on transcript NM_002907.4 (MANE Select); coding-DNA position 1079, G replaced by T.
Protein change: p.Trp360Leu; replaces tryptophan 360 with leucine.
Molecular consequence: missense variant.
Genome position (GRCh38, 1-based): chr12:21,475,695, C>A on the plus strand (G>T on the coding strand, the complement: RECQL is on the minus strand). VCF-style: chr12-21475695-C-A. GRCh37 (hg19) VCF-style: chr12-21628629-C-A.
Other names: c.1079G>T, p.Trp360Leu (NM_032941.3); short protein forms W360L.
Identifiers: ClinVar variation 4152306 (VCV004152306.1).

ClinVar aggregate classification (germline): Uncertain significance (1 of 4 stars; one submission).

gnomAD v4.1: 1 of 1,613,268 alleles (0.000062%); highest among the groups gnomAD compares: Non-Finnish European, 0.000085%; no homozygotes.

Submission:

Ambry Genetics
Classification: Uncertain significance. Last evaluated: 2025-06-29. Review status: criteria provided, single submitter. Criteria: Ambry Variant Classification Scheme 2023. Collection method: clinical testing. Allele origin: germline.
Comment: The p.W360L variant (also known as c.1079G>T), located in coding exon 8 of the RECQL gene, results from a G to T substitution at nucleotide position 1079. The tryptophan at codon 360 is replaced by leucine, an amino acid with similar properties. This amino acid position is conserved. In addition, this alteration is predicted to be deleterious by in silico analysis. Based on the available evidence, the clinical significance of this variant remains unclear.